The following is an entry in ClinVar:

ClinVar aggregate classification (germline): Uncertain significance. Review status: criteria provided, multiple submitters, no conflicts (2 of 4 stars). 2 submissions from 2 submitters: Uncertain significance (2). Last evaluated 2025-06-02.

Allele frequency attached by ClinVar (database versions not stated): ExAC 0.00005; ESP Exome Variant Server 0.00015; 1000 Genomes Project 30x 0.00016; TOPMed 0.00017; gnomAD 0.00018; 1000 Genomes Project 0.00020; gnomAD exomes 0.00022.
gnomAD v4.1: 348 of 1,590,910 alleles (0.022%); highest among the groups gnomAD compares: Non-Finnish European, 0.027%; no homozygotes.

Submissions (2):

Labcorp Genetics (formerly Invitae), Labcorp
Classification: Uncertain significance. Last evaluated: 2025-06-02. Review status: criteria provided, single submitter. Criteria: Invitae Variant Classification Sherloc (09022015). Collection method: clinical testing. Allele origin: germline.
Comment: This sequence change replaces arginine, which is basic and polar, with cysteine, which is neutral and slightly polar, at codon 135 of the LAMA5 protein (p.Arg135Cys). This variant is present in population databases (rs200932249, gnomAD 0.01%). This variant has not been reported in the literature in individuals affected with LAMA5-related conditions. ClinVar contains an entry for this variant (Variation ID: 2177744). An algorithm developed to predict the effect of missense changes on protein structure and function (PolyPhen-2) suggests that this variant is likely to be disruptive. In summary, the available evidence is currently insufficient to determine the role of this variant in disease. Therefore, it has been classified as a Variant of Uncertain Significance.

Blueprint Genetics
Classification: Uncertain significance. Last evaluated: 2024-11-24. Review status: criteria provided, single submitter. Criteria: ACMG Guidelines, 2015. Collection method: clinical testing. Allele origin: germline.

NM_005560.6(LAMA5):c.403C>T (p.Arg135Cys)

Gene: LAMA5 (laminin subunit alpha 5; minus strand). Cytogenetic location: 20q13.33.
Variant type: single nucleotide variant.
Coding change: c.403C>T on transcript NM_005560.6 (MANE Select); coding-DNA position 403, C replaced by T.
Protein change: p.Arg135Cys; replaces arginine 135 with cysteine.
Molecular consequence: missense variant.
Genome position (GRCh38, 1-based): chr20:62,362,447, G>A on the plus strand (C>T on the coding strand, the complement: LAMA5 is on the minus strand). VCF-style: chr20-62362447-G-A. GRCh37 (hg19) VCF-style: chr20-60937503-G-A.
Other names: short protein forms R135C.
Identifiers: ClinVar variation 2177744 (VCV002177744.5), dbSNP rs200932249, ClinGen allele CA9944477.